The following is an entry in ClinVar:

ClinVar aggregate classification (germline): Benign (1 of 4 stars; one submission).

Allele frequency attached by ClinVar (database versions not stated): TOPMed 0.98629; gnomAD 0.98717 and 0.98813; 1000 Genomes Project 30x 0.98720; 1000 Genomes Project 0.98922.
gnomAD v4.1: 147,332 of 149,082 alleles (99%); highest among the groups gnomAD compares: Middle Eastern, 100%; 72,832 homozygotes.

Submission:

GeneDx
Classification: Benign. Last evaluated: 2018-06-16. Review status: criteria provided, single submitter. Criteria: GeneDx Variant Classification (06012015). Collection method: clinical testing. Allele origin: germline. Affected: yes.
Comment: This variant is considered likely benign or benign based on one or more of the following criteria: it is a conservative change, it occurs at a poorly conserved position in the protein, it is predicted to be benign by multiple in silico algorithms, and/or has population frequency not consistent with disease.

NM_020549.5(CHAT):c.1511+208T>C

Gene: CHAT (choline O-acetyltransferase; plus strand). Cytogenetic location: 10q11.23.
Variant type: single nucleotide variant.
Coding change: c.1511+208T>C on transcript NM_020549.5 (MANE Select); 208 bases into the intron after coding-DNA position 1511, T replaced by C.
Molecular consequence: intron variant.
Genome position (GRCh38, 1-based): chr10:49,649,844, T>C. VCF-style: chr10-49649844-T-C. GRCh37 (hg19) VCF-style: chr10-50857890-T-C.
Other names: c.1157+208T>C (NM_020984.4, NM_020985.4, NM_020986.4 and 2 more transcripts); c.1265+208T>C (NM_001142933.2).
Identifiers: ClinVar variation 678352 (VCV000678352.1), dbSNP rs1917812, ClinGen allele CA206638782.